The following is an entry in ClinVar:

NM_000207.3(INS):c.187+15C>T

Genes: INS (insulin; minus strand), INS-IGF2 (INS-IGF2 readthrough; minus strand). Cytogenetic location: 11p15.5.
Variant type: single nucleotide variant.
Coding change: c.187+15C>T on transcript NM_000207.3 (MANE Select); 15 bases into the intron after coding-DNA position 187, C replaced by T.
Molecular consequence: intron variant.
Genome position (GRCh38, 1-based): chr11:2,160,770, G>A on the plus strand (C>T on the coding strand, the complement: INS is on the minus strand). VCF-style: chr11-2160770-G-A. GRCh37 (hg19) VCF-style: chr11-2182000-G-A.
Other names: c.187+15C>T (NM_001042376.3, NM_001185097.2, NM_001291897.2 and 1 more transcripts).
Identifiers: ClinVar variation 1801848 (VCV001801848.1), dbSNP rs754089310, ClinGen allele CA5818169.
Genomic context (GRCh38, chr11:2,160,770, plus strand): 5'-CCCATGCTGGGTGGGAGCGCCAGGAGCAGGGGGTGGCTGGGGGCGGCCAGGGGCAGCAAT[G>A]GGCAGTTGGCTCACCCTGCAGGTCCTCTGCCTCCCGGCGGGTCTTGGGTGTGTAGAAGAA-3'

ClinVar aggregate classification (germline): Benign (1 of 4 stars; one submission).

Conditions:
Neonatal insulin-dependent diabetes mellitus. Identifiers: MedGen C3278636, HP:0000857.

Allele frequency attached by ClinVar (database versions not stated): gnomAD exomes below 0.00001; ExAC 0.00001.
gnomAD v4.1: 2 of 1,610,088 alleles (0.00012%); highest among the groups gnomAD compares: Admixed American, 0.0017%; no homozygotes.

Submission:

Clinical Genomics, Uppaluri K&H Personalized Medicine Clinic
Classification: Benign for Neonatal insulin-dependent diabetes mellitus. Review status: criteria provided, single submitter. Criteria: K & H Uppaluri Personalized Medicine Clinic Variant Classification & Assertion Criteria_Updated V.1. Collection method: research. Allele origin: unknown.
Comment: Mutations in INS gene can cause early onset diabetes mellitus which is insulin dependent. May have poor response to sulfonylureas, as this mutation can cause beta cell destruction. However no sufficient evidence is found to ascertain the role of this particular variant rs754089310, yet.

Literature cited by the submitters: PubMed 11921414; PubMed 25542748; PubMed 26101329; PubMed 18171712.